The following is an entry in ClinVar:

NM_020975.6(RET):c.3166T>A (p.Trp1056Arg)

Gene: RET (ret proto-oncogene; plus strand). Cytogenetic location: 10q11.21.
Variant type: single nucleotide variant.
Coding change: c.3166T>A on transcript NM_020975.6 (MANE Select); coding-DNA position 3166, T replaced by A.
Protein change: p.Trp1056Arg; replaces tryptophan 1056 with arginine.
Molecular consequence: missense variant.
Genome position (GRCh38, 1-based): chr10:43,126,701, T>A. VCF-style: chr10-43126701-T-A. GRCh37 (hg19) VCF-style: chr10-43622149-T-A.
Other names: c.3166T>A, p.Trp1056Arg (NM_000323.2, NM_001406743.1, NM_001406744.1 and 2 more transcripts); c.2404T>A, p.Trp802Arg (NM_001355216.2); c.3037T>A, p.Trp1013Arg (NM_001406761.1, NM_001406762.1, NM_001406764.1); c.3031T>A, p.Trp1011Arg (NM_001406763.1, NM_001406765.1); c.2878T>A, p.Trp960Arg (NM_001406766.1, NM_001406767.1, NM_001406770.1); c.2902T>A, p.Trp968Arg (NM_001406768.1); c.2770T>A, p.Trp924Arg (NM_001406769.1, NM_001406772.1); c.2728T>A, p.Trp910Arg (NM_001406771.1, NM_001406773.1); and 10 more; short protein forms W802R, W1056R, W1013R, W661R, W714R, W814R, W960R, W968R.
Identifiers: ClinVar variation 1479121 (VCV001479121.8), dbSNP rs373423271, ClinGen allele CA376558520.

ClinVar aggregate classification (germline): Uncertain significance. Review status: criteria provided, multiple submitters, no conflicts (2 of 4 stars). 2 submissions from 2 submitters: Uncertain significance (2). Last evaluated 2025-08-18.

Conditions:
Hereditary cancer-predisposing syndrome. Also called: Tumor predisposition; Hereditary Cancer Syndrome; Hereditary neoplastic syndrome; Neoplastic Syndromes, Hereditary. Identifiers: Orphanet 140162, MedGen C0027672, MeSH D009386, MONDO:0015356.
Multiple endocrine neoplasia, type 2 (MEN2). Identifiers: Orphanet 653, MedGen C4048306, MONDO:0019003. Disease mechanism: gain of function.

Allele frequency attached by ClinVar (database versions not stated): gnomAD 0.00001.
gnomAD v4.1: 2 of 1,613,880 alleles (0.00012%); highest among the groups gnomAD compares: Non-Finnish European, 0.00017%; no homozygotes.

Submissions (2):

Ambry Genetics
Classification: Uncertain significance for Hereditary cancer-predisposing syndrome. Last evaluated: 2025-08-18. Review status: criteria provided, single submitter. Criteria: Ambry Variant Classification Scheme 2023. Collection method: clinical testing. Allele origin: germline.
Comment: The p.W1056R variant (also known as c.3166T>A), located in coding exon 19 of the RET gene, results from a T to A substitution at nucleotide position 3166. The tryptophan at codon 1056 is replaced by arginine, an amino acid with dissimilar properties. This amino acid position is highly conserved in available vertebrate species. In addition, this alteration is predicted to be deleterious by in silico analysis. Based on the available evidence, the clinical significance of this variant remains unclear.

Labcorp Genetics (formerly Invitae), Labcorp
Classification: Uncertain significance for Multiple endocrine neoplasia, type 2. Last evaluated: 2024-06-24. Review status: criteria provided, single submitter. Criteria: Invitae Variant Classification Sherloc (09022015). Collection method: clinical testing. Allele origin: germline.
Comment: This sequence change replaces tryptophan, which is neutral and slightly polar, with arginine, which is basic and polar, at codon 1056 of the RET protein (p.Trp1056Arg). This variant is not present in population databases (gnomAD no frequency). This variant has not been reported in the literature in individuals affected with RET-related conditions. ClinVar contains an entry for this variant (Variation ID: 1479121). An algorithm developed to predict the effect of missense changes on protein structure and function (PolyPhen-2) suggests that this variant is likely to be disruptive. In summary, the available evidence is currently insufficient to determine the role of this variant in disease. Therefore, it has been classified as a Variant of Uncertain Significance.